The following is an entry in ClinVar:

ClinVar aggregate classification (germline): Uncertain significance (1 of 4 stars; one submission).

Conditions:
Hereditary cancer-predisposing syndrome. Also called: Neoplastic Syndromes, Hereditary; Tumor predisposition; Hereditary Cancer Syndrome; Hereditary neoplastic syndrome. Identifiers: Orphanet 140162, MedGen C0027672, MeSH D009386, MONDO:0015356.

Submission:

Ambry Genetics
Classification: Uncertain significance for Hereditary cancer-predisposing syndrome. Last evaluated: 2025-09-29. Review status: criteria provided, single submitter. Criteria: Ambry Variant Classification Scheme 2023. Collection method: clinical testing. Allele origin: germline.
Comment: The p.A15G variant (also known as c.44C>G), located in coding exon 1 of the EPCAM gene, results from a C to G substitution at nucleotide position 44. The alanine at codon 15 is replaced by glycine, an amino acid with similar properties. This amino acid position is conserved. In addition, this alteration is predicted to be tolerated by in silico analysis. Based on the available evidence, the clinical significance of this variant remains unclear.

NM_002354.3(EPCAM):c.44C>G (p.Ala15Gly)

Gene: EPCAM (epithelial cell adhesion molecule; plus strand). Cytogenetic location: 2p21.
Variant type: single nucleotide variant.
Coding change: c.44C>G on transcript NM_002354.3 (MANE Select); coding-DNA position 44, C replaced by G.
Protein change: p.Ala15Gly; replaces alanine 15 with glycine.
Molecular consequence: missense variant.
Genome position (GRCh38, 1-based): chr2:47,369,549, C>G. VCF-style: chr2-47369549-C-G. GRCh37 (hg19) VCF-style: chr2-47596688-C-G.
Other names: short protein forms A15G.
Identifiers: ClinVar variation 4640224 (VCV004640224.1).
Genomic context (GRCh38, chr2:47,369,549, plus strand): 5'-CTCGGCGCGCGCGCAGCATGGCGCCCCCGCAGGTCCTCGCGTTCGGGCTTCTGCTTGCCG[C>G]GGCGACGGCGACTTTTGCCGCAGCTCAGGAAGGTGAGGCGCGGATTGGAGCAGAGTTGTG-3'
Protein context (NP_002345.2, residues 5-25): QVLAFGLLLA[Ala15Gly]ATATFAAAQE